The following is an entry in ClinVar:

NM_001174089.2(SLC4A11):c.2058C>G (p.Leu686=)

Gene: SLC4A11 (solute carrier family 4 member 11; minus strand). Cytogenetic location: 20p13.
Variant type: single nucleotide variant.
Coding change: c.2058C>G on transcript NM_001174089.2 (MANE Select); coding-DNA position 2058, C replaced by G.
Protein change: p.Leu686=; no amino-acid change (leucine 686 retained).
Molecular consequence: synonymous variant. On other transcripts: non-coding transcript variant (1).
Genome position (GRCh38, 1-based): chr20:3,228,972, G>C on the plus strand (C>G on the coding strand, the complement: SLC4A11 is on the minus strand). VCF-style: chr20-3228972-G-C. GRCh37 (hg19) VCF-style: chr20-3209618-G-C.
Other names: c.2187C>G, p.Leu729= (NM_001174090.2); c.1944C>G, p.Leu648= (NM_001363745.2); c.2106C>G, p.Leu702= (NM_032034.4).
Identifiers: ClinVar variation 338240 (VCV000338240.17), dbSNP rs141079217, ClinGen allele CA9741597.
Genomic context (GRCh38, chr20:3,228,972, plus strand): 5'-GTAGGCGGCATGGATCCAAGGCAGCCCAAACAGAGACAGCCCTGTGTTGATGATGGCGAG[G>C]AGCAGGAGGTCCCAGTGGTAGGCAGTGCCCTTCACCAGCCTGCAGCAGACGGGCACTCGT-3'
Protein context (NP_001167560.1, residues 676-696): KGTAYHWDLL[Leu686=]LAIINTGLSL

ClinVar aggregate classification (germline): Conflicting classifications of pathogenicity. Review status: criteria provided, conflicting classifications (1 of 4 stars). 5 submissions from 5 submitters: Uncertain significance (1); Likely benign (3). 1 of the submissions does not count toward it. Last evaluated 2026-01-03.

Conditions:
Corneal dystrophy. Identifiers: Orphanet 34533, MedGen C0010036, MONDO:0018102, HP:0001131.
SLC4A11-related disorder. Also called: SLC4A11-related condition.
Corneal dystrophy-perceptive deafness syndrome (CDPD). Also called: HARBOYAN SYNDROME; CORNEAL DYSTROPHY AND SENSORINEURAL DEAFNESS. Identifiers: Orphanet 1490, MedGen C1857572, MONDO:0009015, OMIM 217400.

Allele frequency attached by ClinVar (database versions not stated): gnomAD 0.00013; ESP Exome Variant Server 0.00015; TOPMed 0.00022; ExAC 0.00025.
gnomAD v4.1: 345 of 1,613,686 alleles (0.021%); highest among the groups gnomAD compares: Non-Finnish European, 0.0036%; no homozygotes.

Submissions (5):

Labcorp Genetics (formerly Invitae), Labcorp
Classification: Likely benign. Last evaluated: 2026-01-03. Review status: criteria provided, single submitter. Criteria: Invitae Variant Classification Sherloc (09022015). Collection method: clinical testing. Allele origin: germline.

Blueprint Genetics
Classification: Likely benign. Last evaluated: 2024-11-28. Review status: criteria provided, single submitter. Criteria: ACMG Guidelines, 2015. Collection method: clinical testing. Allele origin: germline.

PreventionGenetics, part of Exact Sciences
Classification: Likely benign for SLC4A11-related condition. Last evaluated: 2024-11-21. Review status: criteria provided, single submitter. Criteria: ACMG Guidelines, 2015. Collection method: clinical testing. Allele origin: germline.
Comment: This variant is classified as likely benign based on ACMG/AMP sequence variant interpretation guidelines (Richards et al. 2015 PMID: 25741868, with internal and published modifications).

Illumina Laboratory Services, Illumina
Classification: Uncertain significance for Corneal dystrophy. Last evaluated: 2018-01-12. Review status: criteria provided, single submitter. Criteria: ICSL Variant Classification Criteria 13 December 2019. Collection method: clinical testing. Allele origin: germline.

Natera, Inc.
Classification: Likely benign for Harboyan syndrome. Last evaluated: 2020-06-03. Review status: no assertion criteria provided. Collection method: clinical testing. Allele origin: germline. Not counted in ClinVar's aggregate classification.